The following is an entry in ClinVar:

NM_025114.4(CEP290):c.1512_1515del (p.Arg504fs)

Gene: CEP290 (centrosomal protein 290; minus strand). Cytogenetic location: 12q21.32.
Variant type: Microsatellite.
Coding change: c.1512_1515del on transcript NM_025114.4 (MANE Select); coding-DNA positions 1512 to 1515, 4 bases deleted (AGAG; older notation c.1512_1515delAGAG).
Protein change: p.Arg504fs; shifts the reading frame from arginine 504.
Molecular consequence: frameshift variant.
Genome position (GRCh38, 1-based): chr12:88,120,121-88,120,124, CTCT deleted on the plus strand (AGAG on the coding strand, the reverse complement: CEP290 is on the minus strand); deleting any 4 consecutive bases within chr12:88,120,121-88,120,126 gives the same sequence; the c. name uses the placement nearest the transcript's 3' end. VCF-style (leftmost placement, unchanged base first): chr12-88120120-GCTCT-G. GRCh37 (hg19) VCF-style: chr12-88513897-GCTCT-G.
Other names: c.1512_1515delAGAG (NM_025114.3); short protein forms R504fs.
Identifiers: ClinVar variation 286074 (VCV000286074.20), dbSNP rs886043303, ClinGen allele CA10605355.

ClinVar aggregate classification (germline): Pathogenic/Likely pathogenic. Review status: criteria provided, multiple submitters, no conflicts (2 of 4 stars). 8 submissions from 8 submitters: Pathogenic (7); Likely pathogenic (1). Last evaluated 2026-06-23.

Conditions:
Meckel-Gruber syndrome. Also called: DYSENCEPHALIA SPLANCHNOCYSTICA; GRUBER SYNDROME; Dysencephalia splachnocystica. Identifiers: Orphanet 564, MedGen C0265215, MONDO:0018921.
Nephronophthisis. Also called: Juvenile Nephronophthisis. Identifiers: Orphanet 655, MedGen C0687120, MONDO:0019005, HP:0000090.
Joubert syndrome. Also called: JOUBERT-BOLTSHAUSER SYNDROME; Familial aplasia of the vermis. Identifiers: Orphanet 475, MedGen C5979921, MONDO:0018772.
CEP290-related disorder. Also called: CEP290-related disorders; CEP290-related condition. Identifiers: MedGen CN239314.
CEP290-related ciliopathy. Also called: CEP290 ciliopathy. Identifiers: MedGen CN305601, MONDO:0100451.
Leber congenital amaurosis 10 (LCA10). Identifiers: Orphanet 65, MedGen C1857821, MONDO:0012723, OMIM 611755.
Bardet-Biedl syndrome 14 (BBS14). Identifiers: Orphanet 110, MedGen C2673874, MONDO:0014442, OMIM 615991.
Meckel syndrome, type 4 (MKS4). Also called: MECKEL-GRUBER SYNDROME, TYPE 4. Identifiers: Orphanet 564, MedGen C1970161, MONDO:0012626, OMIM 611134.
Joubert syndrome 5 (JBTS5). Identifiers: Orphanet 2318, MedGen C1857780, MONDO:0012432, OMIM 610188.
Senior-Loken syndrome 6 (SLSN6). Identifiers: Orphanet 3156, MedGen C1857779, MONDO:0012433, OMIM 610189.
Blindness. Also called: Blindness (disorder). Identifiers: MedGen C0456909, MONDO:0001941, HP:0000618.
Global developmental delay (DD). Also called: Cognitive delay. Identifiers: MedGen C0557874, HP:0001263. Disease mechanism: loss of function.

Submissions (8):

Myriad Genetics, Inc.
Classification: Pathogenic for CEP290-related ciliopathy. Last evaluated: 2026-06-23. Review status: criteria provided, single submitter. Criteria: Myriad Autosomal Dominant, Autosomal Recessive and X-Linked Classification Criteria (2023). Collection method: clinical testing. Allele origin: unknown.
Comment: NM_025114.3(CEP290):c.1512_1515delAGAG(R504Sfs*10) is a frameshift variant classified as pathogenic in the context of CEP290-related disorders. R504Sfs*10 has been observed in cases with relevant disease (PMID: 31623504, 36990420). Relevant functional assessments of this variant are not available in the literature. R504Sfs*10 has not been observed in referenced population frequency databases. In summary, NM_025114.3(CEP290):c.1512_1515delAGAG(R504Sfs*10) is a frameshift variant in a gene where loss of function is a known mechanism of disease, is predicted to disrupt protein function, and has been observed more frequently in cases with the relevant disease than in healthy populations. Please note: this variant was assessed in the context of healthy population screening.

GeneDx
Classification: Pathogenic. Last evaluated: 2024-01-08. Review status: criteria provided, single submitter. Criteria: GeneDx Variant Classification Process June 2021. Collection method: clinical testing. Allele origin: germline. Affected: yes.
Comment: Frameshift variant predicted to result in protein truncation or nonsense mediated decay in a gene for which loss of function is a known mechanism of disease; Not observed at significant frequency in large population cohorts (gnomAD); This variant is associated with the following publications: (PMID: 36990420, 34426522, 31623504)

Labcorp Genetics (formerly Invitae), Labcorp
Classification: Pathogenic for Joubert syndrome; Meckel-Gruber syndrome; Nephronophthisis. Last evaluated: 2023-11-07. Review status: criteria provided, single submitter. Criteria: Invitae Variant Classification Sherloc (09022015). Collection method: clinical testing. Allele origin: germline.
Comment: This sequence change creates a premature translational stop signal (p.Arg504Serfs*10) in the CEP290 gene. It is expected to result in an absent or disrupted protein product. Loss-of-function variants in CEP290 are known to be pathogenic (PMID: 16909394, 17345604, 20690115). This variant is not present in population databases (gnomAD no frequency). This variant has not been reported in the literature in individuals affected with CEP290-related conditions. ClinVar contains an entry for this variant (Variation ID: 286074). For these reasons, this variant has been classified as Pathogenic.

Baylor Genetics
Classification: Likely pathogenic for Bardet-Biedl syndrome 14. Last evaluated: 2023-10-20. Review status: criteria provided, single submitter. Criteria: ACMG Guidelines, 2015. Collection method: clinical testing. Allele origin: unknown.

Fulgent Genetics
Classification: Pathogenic for Joubert syndrome 5; Senior-Loken syndrome 6; Meckel syndrome, type 4; Leber congenital amaurosis 10; Bardet-Biedl syndrome 14. Last evaluated: 2022-01-28. Review status: criteria provided, single submitter. Criteria: ACMG Guidelines, 2015. Collection method: clinical testing. Allele origin: unknown.

Blueprint Genetics
Classification: Pathogenic for CEP290-related disorders. Last evaluated: 2018-05-02. Review status: criteria provided, single submitter. Criteria: ACMG Guidelines, 2015. Collection method: clinical testing. Allele origin: germline. Affected: yes. Observed: 1 variant allele.

Eurofins Ntd Llc (ga)
Classification: Pathogenic. Last evaluated: 2016-02-12. Review status: criteria provided, single submitter. Criteria: EGL Classification Definitions 2015. Collection method: clinical testing. Allele origin: germline. Observed: 1 variant allele, 1 heterozygote.

Centre for Mendelian Genomics, University Medical Centre Ljubljana
Classification: Pathogenic for Blindness; Global developmental delay. Last evaluated: 2015-08-26. Review status: criteria provided, single submitter. Criteria: ACMG Guidelines, 2015. Collection method: clinical testing. Allele origin: unknown. Affected: yes.

Literature cited by the submitters: PubMed 31623504 (cited by Myriad Genetics, Inc.); PubMed 36990420 (cited by Myriad Genetics, Inc.); PubMed 16909394 (cited by Labcorp Genetics (formerly Invitae), Labcorp); PubMed 17345604 (cited by Labcorp Genetics (formerly Invitae), Labcorp); PubMed 20690115 (cited by Labcorp Genetics (formerly Invitae), Labcorp).